The following is an entry in ClinVar:

ClinVar aggregate classification (germline): Uncertain significance (1 of 4 stars; one submission).

Conditions:
Cardiomyopathy (CMYO). Also called: Cardiomyopathies. Identifiers: Orphanet 167848, MedGen C0878544, MONDO:0004994, HP:0001638. Inheritance: Various modes of inheritance.

Submission:

Color Diagnostics, LLC DBA Color Health
Classification: Uncertain significance for Cardiomyopathy. Last evaluated: 2025-08-30. Review status: criteria provided, single submitter. Criteria: ACMG Guidelines, 2015. Collection method: clinical testing. Allele origin: germline.
Comment: This missense variant replaces methionine with isoleucine at codon 2162 of the RYR2 protein. Computational prediction suggests that this variant may have deleterious impact on protein structure and function. To our knowledge, functional studies have not been reported for this variant. This variant has not been reported in individuals affected with RYR2-related disorders in the literature. This variant has not been identified in the general population by the Genome Aggregation Database (gnomAD). The available evidence is insufficient to determine the role of this variant in disease conclusively. Therefore, this variant is classified as a Variant of Uncertain Significance.

NM_001035.3(RYR2):c.6486G>C (p.Met2162Ile)

Gene: RYR2 (ryanodine receptor 2; plus strand). Cytogenetic location: 1q43.
Variant type: single nucleotide variant.
Coding change: c.6486G>C on transcript NM_001035.3 (MANE Select); coding-DNA position 6486, G replaced by C.
Protein change: p.Met2162Ile; replaces methionine 2162 with isoleucine.
Molecular consequence: missense variant.
Genome position (GRCh38, 1-based): chr1:237,631,472, G>C. VCF-style: chr1-237631472-G-C. GRCh37 (hg19) VCF-style: chr1-237794772-G-C.
Other names: short protein forms M2162I.
Identifiers: ClinVar variation 4757980 (VCV004757980.1).
Genomic context (GRCh38, chr1:237,631,472, plus strand): 5'-CATTGTCCTTTCTAGGGATATTATGAATAACAAAGTGTTTTACCAGCACCCTAATCTCAT[G>C]AGGGCACTGGGGATGCACGAGACTGTGATGGAGGTCATGGTGAACGTCCTTGGAGGTGGA-3'
Protein context (NP_001026.2, residues 2152-2172): NKVFYQHPNL[Met2162Ile]RALGMHETVM